The following is an entry in ClinVar:

NM_003718.5(CDK13):c.796A>G (p.Ser266Gly)

Gene: CDK13 (cyclin dependent kinase 13; plus strand). Cytogenetic location: 7p14.1.
Variant type: single nucleotide variant.
Coding change: c.796A>G on transcript NM_003718.5 (MANE Select); coding-DNA position 796, A replaced by G.
Protein change: p.Ser266Gly; replaces serine 266 with glycine.
Molecular consequence: missense variant.
Genome position (GRCh38, 1-based): chr7:39,951,437, A>G. VCF-style: chr7-39951437-A-G. GRCh37 (hg19) VCF-style: chr7-39991036-A-G.
Other names: c.796A>G, p.Ser266Gly (NM_031267.4); short protein forms S266G.
Identifiers: ClinVar variation 1033605 (VCV001033605.4), dbSNP rs1469921868, ClinGen allele CA367310501.
Genomic context (GRCh38, chr7:39,951,437, plus strand): 5'-GCCAAGAGCGGCAGCAGCAGCAGCAGCGGCGGCCGCCGGAAAAGCGCTTCGGCCACATCC[A>G]GCAGCAGTAGCAGCCGCAAGGACCGGGACTCGAAGGCCCACCGCAGCCGGACTAAGTCGT-3'
Protein context (NP_003709.3, residues 256-276): GRRKSASATS[Ser266Gly]SSSSRKDRDS

ClinVar aggregate classification (germline): Uncertain significance. Review status: criteria provided, multiple submitters, no conflicts (2 of 4 stars). 2 submissions from 2 submitters: Uncertain significance (2). Last evaluated 2022-10-21.

Conditions:
Congenital heart defects, dysmorphic facial features, and intellectual developmental disorder (CHDFIDD). Identifiers: Orphanet 646278, MedGen C4479246, MONDO:0044302, OMIM 617360.

Allele frequency attached by ClinVar (database versions not stated): TOPMed 0.00001; gnomAD exomes 0.00002.
gnomAD v4.1: 3 of 1,535,448 alleles (0.0002%); highest among the groups gnomAD compares: Admixed American, 0.0061%; no homozygotes.

Submissions (2):

Labcorp Genetics (formerly Invitae), Labcorp
Classification: Uncertain significance. Last evaluated: 2022-10-21. Review status: criteria provided, single submitter. Criteria: Invitae Variant Classification Sherloc (09022015). Collection method: clinical testing. Allele origin: germline.
Comment: This sequence change replaces serine, which is neutral and polar, with glycine, which is neutral and non-polar, at codon 266 of the CDK13 protein (p.Ser266Gly). This variant is present in population databases (no rsID available, gnomAD 0.009%). This variant has not been reported in the literature in individuals affected with CDK13-related conditions. ClinVar contains an entry for this variant (Variation ID: 1033605). Advanced modeling of protein sequence and biophysical properties (such as structural, functional, and spatial information, amino acid conservation, physicochemical variation, residue mobility, and thermodynamic stability) performed at Invitae indicates that this missense variant is not expected to disrupt CDK13 protein function. In summary, the available evidence is currently insufficient to determine the role of this variant in disease. Therefore, it has been classified as a Variant of Uncertain Significance.

Baylor Genetics
Classification: Uncertain significance for Congenital heart defects, dysmorphic facial features, and intellectual developmental disorder. Last evaluated: 2018-10-09. Review status: criteria provided, single submitter. Criteria: ACMG Guidelines, 2015. Collection method: clinical testing. Allele origin: maternal. Affected: yes.
Comment: This variant was determined to be of uncertain significance according to ACMG Guidelines, 2015 [PMID:25741868].